The following is an entry in ClinVar:

NM_006231.4(POLE):c.4381G>A (p.Glu1461Lys)

Gene: POLE (DNA polymerase epsilon, catalytic subunit; minus strand). Cytogenetic location: 12q24.33.
Variant type: single nucleotide variant.
Coding change: c.4381G>A on transcript NM_006231.4 (MANE Select); coding-DNA position 4381, G replaced by A.
Protein change: p.Glu1461Lys; replaces glutamic acid 1461 with lysine.
Molecular consequence: missense variant.
Genome position (GRCh38, 1-based): chr12:132,643,470, C>T on the plus strand (G>A on the coding strand, the complement: POLE is on the minus strand). VCF-style: chr12-132643470-C-T. GRCh37 (hg19) VCF-style: chr12-133220056-C-T.
Other names: short protein forms E1461K.
Identifiers: ClinVar variation 2847360 (VCV002847360.3), dbSNP rs1192240136, ClinGen allele CA387381200.

ClinVar aggregate classification (germline): Uncertain significance (1 of 4 stars; one submission).

Allele frequency attached by ClinVar (database versions not stated): gnomAD exomes below 0.00001.
gnomAD v4.1: 1 of 1,614,226 alleles (0.000062%); highest among the groups gnomAD compares: African/African-American, 0.0013%; no homozygotes.

Submission:

Labcorp Genetics (formerly Invitae), Labcorp
Classification: Uncertain significance. Last evaluated: 2023-03-19. Review status: criteria provided, single submitter. Criteria: Invitae Variant Classification Sherloc (09022015). Collection method: clinical testing. Allele origin: germline.
Comment: In summary, the available evidence is currently insufficient to determine the role of this variant in disease. Therefore, it has been classified as a Variant of Uncertain Significance. Advanced modeling of protein sequence and biophysical properties (such as structural, functional, and spatial information, amino acid conservation, physicochemical variation, residue mobility, and thermodynamic stability) performed at Invitae indicates that this missense variant is not expected to disrupt POLE protein function. This variant has not been reported in the literature in individuals affected with POLE-related conditions. This variant is not present in population databases (gnomAD no frequency). This sequence change replaces glutamic acid, which is acidic and polar, with lysine, which is basic and polar, at codon 1461 of the POLE protein (p.Glu1461Lys).